The following is an entry in ClinVar:

ClinVar aggregate classification (germline): Uncertain significance (1 of 4 stars; one submission).

Submission:

Labcorp Genetics (formerly Invitae), Labcorp
Classification: Uncertain significance. Last evaluated: 2022-01-16. Review status: criteria provided, single submitter. Criteria: Invitae Variant Classification Sherloc (09022015). Collection method: clinical testing. Allele origin: germline.
Comment: This variant is not present in population databases (gnomAD no frequency). In summary, the available evidence is currently insufficient to determine the role of this variant in disease. Therefore, it has been classified as a Variant of Uncertain Significance. Advanced modeling of protein sequence and biophysical properties (such as structural, functional, and spatial information, amino acid conservation, physicochemical variation, residue mobility, and thermodynamic stability) performed at Invitae indicates that this missense variant is not expected to disrupt CDHR1 protein function. This variant has not been reported in the literature in individuals affected with CDHR1-related conditions. This sequence change replaces glycine, which is neutral and non-polar, with serine, which is neutral and polar, at codon 488 of the CDHR1 protein (p.Gly488Ser).

NM_033100.4(CDHR1):c.1462G>A (p.Gly488Ser)

Gene: CDHR1 (cadherin related family member 1; plus strand). Cytogenetic location: 10q23.1.
Variant type: single nucleotide variant.
Coding change: c.1462G>A on transcript NM_033100.4 (MANE Select); coding-DNA position 1462, G replaced by A.
Protein change: p.Gly488Ser; replaces glycine 488 with serine.
Molecular consequence: missense variant.
Genome position (GRCh38, 1-based): chr10:84,211,142, G>A. VCF-style: chr10-84211142-G-A. GRCh37 (hg19) VCF-style: chr10-85970898-G-A.
Other names: c.1462G>A, p.Gly488Ser (NM_001171971.3); short protein forms G488S.
Identifiers: ClinVar variation 2067396 (VCV002067396.4), dbSNP rs2492532301, ClinGen allele CA377376932.
Genomic context (GRCh38, chr10:84,211,142, plus strand): 5'-AATGTCCCCAAGTTCGACTCCCTCTACTACGTTGCCAGGATTCCTGAGAACGCCCCAGGG[G>A]GCTCCAGCGTGGTGGCTGTCACAGTGGGTTGGGCACTGGCCCAGGGACTGGGTGGGATAG-3'
Protein context (NP_149091.1, residues 478-498): VARIPENAPG[Gly488Ser]SSVVAVTAVD